The following is an entry in ClinVar:

NM_005402.4(RALA):c.491T>C (p.Val164Ala)

Gene: RALA (RAS like proto-oncogene A; plus strand). Cytogenetic location: 7p14.1.
Variant type: single nucleotide variant.
Coding change: c.491T>C on transcript NM_005402.4 (MANE Select); coding-DNA position 491, T replaced by C.
Protein change: p.Val164Ala; replaces valine 164 with alanine.
Molecular consequence: missense variant.
Genome position (GRCh38, 1-based): chr7:39,696,852, T>C. VCF-style: chr7-39696852-T-C. GRCh37 (hg19) VCF-style: chr7-39736451-T-C.
Other names: short protein forms V164A.
Identifiers: ClinVar variation 1359849 (VCV001359849.8), dbSNP rs2116099001, ClinGen allele CA367306760.

ClinVar aggregate classification (germline): Uncertain significance (1 of 4 stars; one submission).

Submission:

Labcorp Genetics (formerly Invitae), Labcorp
Classification: Uncertain significance. Last evaluated: 2021-06-08. Review status: criteria provided, single submitter. Criteria: Invitae Variant Classification Sherloc (09022015). Collection method: clinical testing. Allele origin: germline.
Comment: This sequence change replaces valine with alanine at codon 164 of the RALA protein (p.Val164Ala). The valine residue is highly conserved and there is a small physicochemical difference between valine and alanine. This variant is not present in population databases (ExAC no frequency). This variant has not been reported in the literature in individuals with RALA-related conditions. Advanced modeling of protein sequence and biophysical properties (such as structural, functional, and spatial information, amino acid conservation, physicochemical variation, residue mobility, and thermodynamic stability) performed at Invitae indicates that this missense variant is expected to disrupt RALA protein function. In summary, the available evidence is currently insufficient to determine the role of this variant in disease. Therefore, it has been classified as a Variant of Uncertain Significance.